The following is an entry in ClinVar:

NM_022041.4(GAN):c.973G>A (p.Glu325Lys)

Gene: GAN (gigaxonin; plus strand). Cytogenetic location: 16q23.2.
Variant type: single nucleotide variant.
Coding change: c.973G>A on transcript NM_022041.4 (MANE Select); coding-DNA position 973, G replaced by A.
Protein change: p.Glu325Lys; replaces glutamic acid 325 with lysine.
Molecular consequence: missense variant.
Genome position (GRCh38, 1-based): chr16:81,357,931, G>A. VCF-style: chr16-81357931-G-A. GRCh37 (hg19) VCF-style: chr16-81391536-G-A.
Other names: c.334G>A, p.Glu112Lys (NM_001377486.1); short protein forms E325K, E112K.
Identifiers: ClinVar variation 637529 (VCV000637529.4), dbSNP rs1597403411, ClinGen allele CA396873556.

ClinVar aggregate classification (germline): Uncertain significance. Review status: criteria provided, single submitter (1 of 4 stars). 3 submissions from 3 submitters: Uncertain significance (1). 2 of the submissions do not count toward it. Last evaluated 2020-09-02.

Conditions:
Inborn genetic diseases. Identifiers: MedGen C0950123, MeSH D030342.
Giant axonal neuropathy 1 (GAN1). Also called: GIANT AXONAL NEUROPATHY 1, AUTOSOMAL RECESSIVE; GAN-Related Neurodegeneration. Identifiers: Orphanet 643, MedGen C1850386, MONDO:0009749, OMIM 256850.

Submissions (3):

Ambry Genetics
Classification: Uncertain significance for Inborn genetic diseases. Last evaluated: 2020-09-02. Review status: criteria provided, single submitter. Criteria: Ambry Variant Classification Scheme 2023. Collection method: clinical testing. Allele origin: germline.
Comment: The c.973G>A variant (also known as p.E325K), located in coding exon 5 of the GAN gene, results from a G to A substitution at nucleotide position 973. The glutamic acid at codon 325 is replaced by lysine, an amino acid with similar properties. However, this change occurs in the last base pair of coding exon 5, which makes it likely to have some effect on normal mRNA splicing. This alteration has been reported, in a presumed homozygous state, in two related consanguineous families in four children who presented with a clinical phenotype of giant axonal neuropathy (Abu-Rashid M et al. Eur. J. Paediatr. Neurol., 2013 May;17:259-64). This nucleotide position is highly conserved in available vertebrate species. This amino acid position is well conserved in available vertebrate species. In silico splice site analysis predicts that this alteration will weaken the native splice donor site. In addition, as a missense substitution this is predicted to be deleterious by in silico analysis. Since supporting evidence is limited at this time, the clinical significance of this alteration remains unclear.

Inherited Neuropathy Consortium Ii, University Of Miami
Classification: Uncertain significance for Giant axonal neuropathy 1. Last evaluated: 2016-01-06. Review status: no assertion criteria provided. Collection method: literature only. Allele origin: germline. Affected: yes. Not counted in ClinVar's aggregate classification.

Inherited Neuropathy Consortium
Classification: Uncertain significance for Giant axonal neuropathy. Review status: no assertion criteria provided. Collection method: literature only. Allele origin: germline. Affected: yes. Not counted in ClinVar's aggregate classification.

Literature cited by the submitters: PubMed 23332420 (cited by 3 submitters).